The following is an entry in ClinVar:

ClinVar aggregate classification (germline): Likely benign. Review status: criteria provided, single submitter (1 of 4 stars). 2 submissions from 2 submitters: Likely benign (1). 1 of the submissions does not count toward it. Last evaluated 2024-04-12.

Conditions:
Menkes kinky-hair syndrome (MNK). Also called: Copper transport disease; Menkes Disease; Classic Menkes Disease. Identifiers: Orphanet 565, MedGen C0022716, MONDO:0010651, OMIM 309400.
Cutis laxa, X-linked (OHS). Also called: EDS IX; Occipital horn syndrome. Identifiers: Orphanet 198, MedGen C0268353, MONDO:0010572, OMIM 304150.
X-linked distal spinal muscular atrophy type 3. Also called: ATP7A-Related Distal Motor Neuropathy; SPINAL MUSCULAR ATROPHY, DISTAL, X-LINKED RECESSIVE; NEURONOPATHY, DISTAL HEREDITARY MOTOR, X-LINKED; NEUROPATHY, DISTAL HEREDITARY MOTOR, X-LINKED. Identifiers: Orphanet 139557, MedGen C1845359, MONDO:0010338, OMIM 300489.
ATP7A-related disorder. Also called: ATP7A-related condition.

Submissions (2):

Labcorp Genetics (formerly Invitae), Labcorp
Classification: Likely benign for X-linked distal spinal muscular atrophy type 3; Cutis laxa, X-linked; Menkes kinky-hair syndrome. Last evaluated: 2024-04-12. Review status: criteria provided, single submitter. Criteria: Invitae Variant Classification Sherloc (09022015). Collection method: clinical testing. Allele origin: germline.

PreventionGenetics, part of Exact Sciences
Classification: Likely benign for ATP7A-related condition. Last evaluated: 2019-08-12. Review status: no assertion criteria provided. Collection method: clinical testing. Allele origin: germline. Not counted in ClinVar's aggregate classification.
Comment: This variant is classified as likely benign based on ACMG/AMP sequence variant interpretation guidelines (Richards et al. 2015 PMID: 25741868, with internal and published modifications).

NM_000052.7(ATP7A):c.2376A>G (p.Ala792=)

Gene: ATP7A (ATPase copper transporting alpha; plus strand). Cytogenetic location: Xq21.1.
Variant type: single nucleotide variant.
Coding change: c.2376A>G on transcript NM_000052.7 (MANE Select); coding-DNA position 2376, A replaced by G.
Protein change: p.Ala792=; no amino-acid change (alanine 792 retained).
Molecular consequence: synonymous variant. On other transcripts: intron variant (1).
Genome position (GRCh38, 1-based): chrX:78,013,082, A>G. VCF-style: chrX-78013082-A-G. GRCh37 (hg19) VCF-style: chrX-77268579-A-G.
Other names: c.2172+1408A>G (NM_001282224.2).
Identifiers: ClinVar variation 3035581 (VCV003035581.4), dbSNP rs1208805004, ClinGen allele CA517059557.